The following is an entry in ClinVar:

ClinVar aggregate classification (germline): Uncertain significance (1 of 4 stars; one submission).

gnomAD v4.1: 9 of 1,614,116 alleles (0.00056%); highest among the groups gnomAD compares: East Asian, 0.02%; no homozygotes.

Submission:

GeneDx
Classification: Uncertain significance. Last evaluated: 2024-08-23. Review status: criteria provided, single submitter. Criteria: GeneDx Variant Classification Process June 2021. Collection method: clinical testing. Allele origin: germline. Affected: yes.
Comment: In silico analysis indicates that this missense variant does not alter protein structure/function; Has not been previously published as pathogenic or benign to our knowledge

NM_182961.4(SYNE1):c.12736A>G (p.Met4246Val)

Gene: SYNE1 (spectrin repeat containing nuclear envelope protein 1; minus strand). Cytogenetic location: 6q25.2.
Variant type: single nucleotide variant.
Coding change: c.12736A>G on transcript NM_182961.4 (MANE Select); coding-DNA position 12736, A replaced by G.
Protein change: p.Met4246Val; replaces methionine 4246 with valine.
Molecular consequence: missense variant.
Genome position (GRCh38, 1-based): chr6:152,334,066, T>C on the plus strand (A>G on the coding strand, the complement: SYNE1 is on the minus strand). VCF-style: chr6-152334066-T-C. GRCh37 (hg19) VCF-style: chr6-152655201-T-C.
Other names: c.12523A>G, p.Met4175Val (NM_033071.5); short protein forms M4175V, M4246V.
Identifiers: ClinVar variation 3764426 (VCV003764426.1).